The following is an entry in ClinVar:

ClinVar aggregate classification (germline): Uncertain significance. Review status: criteria provided, multiple submitters, no conflicts (2 of 4 stars). 2 submissions from 2 submitters: Uncertain significance (2). Last evaluated 2025-03-11.

Conditions:
VPS13B-related disorder. Also called: VPS13B-related condition.
Cohen syndrome (COH1). Also called: Cutis verticis gyrata, retinitis pigmentosa, and sensorineural deafness; PEPPER SYNDROME. Identifiers: Orphanet 193, MedGen C0265223, MONDO:0008999, OMIM 216550.

Allele frequency attached by ClinVar (database versions not stated): gnomAD exomes below 0.00001; TOPMed below 0.00001; ExAC 0.00001; gnomAD 0.00001.
gnomAD v4.1: 4 of 1,613,940 alleles (0.00025%); highest among the groups gnomAD compares: African/African-American, 0.0027%; no homozygotes.

Submissions (2):

PreventionGenetics, part of Exact Sciences
Classification: Uncertain significance for VPS13B-related condition. Last evaluated: 2025-03-11. Review status: criteria provided, single submitter. Criteria: ACMG Guidelines, 2015. Collection method: clinical testing. Allele origin: germline.
Comment: The VPS13B c.7351G>A variant is predicted to result in the amino acid substitution p.Val2451Ile. To our knowledge, this variant has not been reported in the literature. This variant is reported in 0.0033% of alleles in individuals of South Asian descent in gnomAD. At this time, the clinical significance of this variant is uncertain due to the absence of conclusive functional and genetic evidence.

Labcorp Genetics (formerly Invitae), Labcorp
Classification: Uncertain significance for Cohen syndrome. Last evaluated: 2022-08-08. Review status: criteria provided, single submitter. Criteria: Invitae Variant Classification Sherloc (09022015). Collection method: clinical testing. Allele origin: germline.
Comment: This sequence change replaces valine, which is neutral and non-polar, with isoleucine, which is neutral and non-polar, at codon 2476 of the VPS13B protein (p.Val2476Ile). This variant is present in population databases (rs771677434, gnomAD 0.003%). This variant has not been reported in the literature in individuals affected with VPS13B-related conditions. Algorithms developed to predict the effect of missense changes on protein structure and function are either unavailable or do not agree on the potential impact of this missense change (SIFT: "Not Available"; PolyPhen-2: "Benign"; Align-GVGD: "Not Available"). In summary, the available evidence is currently insufficient to determine the role of this variant in disease. Therefore, it has been classified as a Variant of Uncertain Significance.

NM_152564.5(VPS13B):c.7351G>A (p.Val2451Ile)

Gene: VPS13B (vacuolar protein sorting 13 homolog B; plus strand). Cytogenetic location: 8q22.2.
Variant type: single nucleotide variant.
Coding change: c.7351G>A on transcript NM_152564.5 (MANE Select); coding-DNA position 7351, G replaced by A.
Protein change: p.Val2451Ile; replaces valine 2451 with isoleucine.
Molecular consequence: missense variant.
Genome position (GRCh38, 1-based): chr8:99,776,878, G>A. VCF-style: chr8-99776878-G-A. GRCh37 (hg19) VCF-style: chr8-100789106-G-A.
Other names: c.7426G>A, p.Val2476Ile (NM_017890.5); short protein forms V2476I, V2451I.
Identifiers: ClinVar variation 2044319 (VCV002044319.2), dbSNP rs771677434, ClinGen allele CA4824196.